The following is an entry in ClinVar:

NM_001171613.2(PREPL):c.694G>A (p.Glu232Lys)

Gene: PREPL (prolyl endopeptidase like; minus strand). Cytogenetic location: 2p21.
Variant type: single nucleotide variant.
Coding change: c.694G>A on transcript NM_001171613.2 (MANE Select); coding-DNA position 694, G replaced by A.
Protein change: p.Glu232Lys; replaces glutamic acid 232 with lysine.
Molecular consequence: missense variant.
Genome position (GRCh38, 1-based): chr2:44,339,155, C>T on the plus strand (G>A on the coding strand, the complement: PREPL is on the minus strand). VCF-style: chr2-44339155-C-T. GRCh37 (hg19) VCF-style: chr2-44566294-C-T.
Other names: c.961G>A, p.Glu321Lys (NM_001042385.2, NM_001042386.2, NM_001171603.1 and 4 more transcripts); c.694G>A, p.Glu232Lys (NM_001171617.1, NM_001374277.1); short protein forms E232K, E321K.
Identifiers: ClinVar variation 4717857 (VCV004717857.1).
Genomic context (GRCh38, chr2:44,339,155, plus strand): 5'-AGTGTGACACTTCTTAACAGCCCAAATAGGAACAACGAGCATCCAGGATTACCTTAAATT[C>T]TGTAGGTTCTCCAACATTAGTGAGAATGTATAATTCATCATCTCTGTGTTCAACATAGTA-3'
Protein context (NP_001165084.1, residues 222-242): YILTNVGEPT[Glu232Lys]FKLMRTAADT

ClinVar aggregate classification (germline): Uncertain significance (1 of 4 stars; one submission).

Conditions:
Myasthenic syndrome, congenital, 22 (CMS22). Also called: PREPL DEFICIENCY. Identifiers: MedGen C4479088, MONDO:0044299, OMIM 616224.

gnomAD v4.1: 2 of 1,613,922 alleles (0.00012%); highest among the groups gnomAD compares: Admixed American, 0.0033%; no homozygotes.

Submission:

Labcorp Genetics (formerly Invitae), Labcorp
Classification: Uncertain significance for Myasthenic syndrome, congenital, 22. Last evaluated: 2025-04-23. Review status: criteria provided, single submitter. Criteria: Invitae Variant Classification Sherloc (09022015). Collection method: clinical testing. Allele origin: germline.
Comment: This sequence change replaces glutamic acid, which is acidic and polar, with lysine, which is basic and polar, at codon 321 of the PREPL protein (p.Glu321Lys). This variant is present in population databases (rs749766335, gnomAD 0.006%). This variant has not been reported in the literature in individuals affected with PREPL-related conditions. Invitae Evidence Modeling of protein sequence and biophysical properties (such as structural, functional, and spatial information, amino acid conservation, physicochemical variation, residue mobility, and thermodynamic stability) indicates that this missense variant is not expected to disrupt PREPL protein function with a negative predictive value of 80%. In summary, the available evidence is currently insufficient to determine the role of this variant in disease. Therefore, it has been classified as a Variant of Uncertain Significance.